The following is an entry in ClinVar:

NM_138694.4(PKHD1):c.2648_2649dup (p.Asp884fs)

Gene: PKHD1 (PKHD1 ciliary IPT domain containing fibrocystin/polyductin; minus strand). Cytogenetic location: 6p12.2.
Variant type: Microsatellite.
Coding change: c.2648_2649dup on transcript NM_138694.4 (MANE Select); coding-DNA positions 2648 to 2649, 2 bases duplicated (AT; older notation c.2648_2649dupAT).
Protein change: p.Asp884fs; shifts the reading frame from aspartic acid 884.
Molecular consequence: frameshift variant.
Genome position (GRCh38, 1-based): chr6:52,045,032-52,045,033, AT duplicated on the plus strand (AT on the coding strand, the reverse complement: PKHD1 is on the minus strand); duplicating any 2 consecutive bases within chr6:52,045,032-52,045,036 gives the same sequence; the c. name uses the placement nearest the transcript's 3' end. VCF-style (leftmost placement, unchanged base first): chr6-52045031-C-CAT. GRCh37 (hg19) VCF-style: chr6-51909829-C-CAT.
Other names: c.2648_2649dup, p.Asp884fs (NM_170724.3); short protein forms D884fs.
Identifiers: ClinVar variation 4816613 (VCV004816613.1).

ClinVar aggregate classification (germline): Likely pathogenic (1 of 4 stars; one submission).

Conditions:
Autosomal recessive polycystic kidney disease (ARPKD). Also called: AR polycystic kidney disease. Identifiers: Orphanet 731, Orphanet 8378, MedGen C0085548, MeSH D017044, MONDO:0009889.

Submission:

Natera, Inc.
Classification: Likely pathogenic for Autosomal recessive polycystic kidney disease. Last evaluated: 2025-10-21. Review status: criteria provided, single submitter. Criteria: Natera Variant Classification Schema (03/2026). Collection method: clinical testing. Allele origin: germline.
Comment: The c.2648_2649dupAT variant in PKHD1 is a frameshift variant predicted to shift the reading frame beginning at codon 884 and leads to a stop codon 28 codons downstream. This variant is expected to result in nonsense mediated decay, truncation, or a dysfunctional protein product. This variant is rare in the general population with a frequency below the threshold expected for the associated phenotype(s). Given the available evidence, this variant is classified as Likely Pathogenic.